The following is an entry in ClinVar:

NM_015338.6(ASXL1):c.3394G>C (p.Glu1132Gln)

Gene: ASXL1 (ASXL transcriptional regulator 1; plus strand). Cytogenetic location: 20q11.21.
Variant type: single nucleotide variant.
Coding change: c.3394G>C on transcript NM_015338.6 (MANE Select); coding-DNA position 3394, G replaced by C.
Protein change: p.Glu1132Gln; replaces glutamic acid 1132 with glutamine.
Molecular consequence: missense variant.
Genome position (GRCh38, 1-based): chr20:32,436,106, G>C. VCF-style: chr20-32436106-G-C. GRCh37 (hg19) VCF-style: chr20-31023909-G-C.
Other names: c.3211G>C, p.Glu1071Gln (NM_001363734.1); short protein forms E1071Q, E1132Q.
Identifiers: ClinVar variation 3793299 (VCV003793299.1).

ClinVar aggregate classification (germline): Uncertain significance (1 of 4 stars; one submission).

Conditions:
Inborn genetic diseases. Identifiers: MedGen C0950123, MeSH D030342.

Submission:

Ambry Genetics
Classification: Uncertain significance for Inborn genetic diseases. Last evaluated: 2025-02-08. Review status: criteria provided, single submitter. Criteria: Ambry Variant Classification Scheme 2023. Collection method: clinical testing. Allele origin: germline.
Comment: The p.E1132Q variant (also known as c.3394G>C), located in coding exon 13 of the ASXL1 gene, results from a G to C substitution at nucleotide position 3394. The glutamic acid at codon 1132 is replaced by glutamine, an amino acid with highly similar properties. This amino acid position is conserved. In addition, this alteration is predicted to be tolerated by in silico analysis. Based on the available evidence, the clinical significance of this variant remains unclear.